The following is an entry in ClinVar:

ClinVar aggregate classification (germline): Pathogenic (1 of 4 stars; one submission).

Conditions:
Cystinuria (CSNU). Also called: Cystinuria, non-type I; CYSTINURIA, TYPE I; CYSTINURIA, TYPE II; CYSTINURIA, TYPE III. Identifiers: Orphanet 214, MedGen C0010691, MONDO:0009067, OMIM 220100, HP:0003131.

gnomAD v4.1: 6 of 1,613,932 alleles (0.00037%); highest among the groups gnomAD compares: Non-Finnish European, 0.00051%; no homozygotes.

Submission:

Labcorp Genetics (formerly Invitae), Labcorp
Classification: Pathogenic for Cystinuria. Last evaluated: 2025-10-01. Review status: criteria provided, single submitter. Criteria: Invitae Variant Classification Sherloc (09022015). Collection method: clinical testing. Allele origin: germline.
Comment: This sequence change creates a premature translational stop signal (p.Cys673*) in the SLC3A1 gene. While this is not anticipated to result in nonsense mediated decay, it is expected to disrupt the last 13 amino acid(s) of the SLC3A1 protein. This variant is not present in population databases (gnomAD no frequency). This premature translational stop signal has been observed in individual(s) with cystinuria (PMID: 33349102). This variant disrupts a region of the SLC3A1 protein in which other variant(s) (p.Cys673Trp) have been observed in individuals with SLC3A1-related conditions (PMID: 11260385). This suggests that this is a clinically significant region of the protein, and that variants that disrupt it are likely to be disease-causing. For these reasons, this variant has been classified as Pathogenic.

Literature cited by the submitters: PubMed 33349102; PubMed 11260385.

NM_000341.4(SLC3A1):c.2019C>A (p.Cys673Ter)

Genes: PREPL (prolyl endopeptidase like; minus strand), SLC3A1 (solute carrier family 3 member 1; plus strand). Cytogenetic location: 2p21.
Variant type: single nucleotide variant.
Coding change: c.2019C>A on transcript NM_000341.4 (MANE Select); coding-DNA position 2019, C replaced by A.
Protein change: p.Cys673Ter; replaces cysteine 673 with a stop codon.
Molecular consequence: nonsense. On other transcripts: 3 prime UTR variant (10).
Genome position (GRCh38, 1-based): chr2:44,320,600, C>A. VCF-style: chr2-44320600-C-A. GRCh37 (hg19) VCF-style: chr2-44547739-C-A.
Other names: c.*756G>T (NM_001042385.2, NM_001042386.2, NM_001171603.1 and 7 more transcripts); short protein forms C673*.
Identifiers: ClinVar variation 4715216 (VCV004715216.1).
Genomic context (GRCh38, chr2:44,320,600, plus strand): 5'-GAATCTCCTTCATCGCCAAACAGCTTTCAGAGATAGATGCTTTGTTTCCAATCGAGCATG[C>A]TATTCCAGTGTACTGAACATACTGTATACCTCGTGTTAGGCACCTTTATGAAGAGATGAA-3'